The following is an entry in ClinVar:

NM_006361.6(HOXB13):c.601+1G>T

Gene: HOXB13 (homeobox B13; minus strand). Cytogenetic location: 17q21.32.
Variant type: single nucleotide variant.
Coding change: c.601+1G>T on transcript NM_006361.6 (MANE Select); the canonical splice donor site of the intron after coding-DNA position 601, G replaced by T.
Molecular consequence: splice donor variant.
Genome position (GRCh38, 1-based): chr17:48,727,992, C>A on the plus strand (G>T on the coding strand, the complement: HOXB13 is on the minus strand). VCF-style: chr17-48727992-C-A. GRCh37 (hg19) VCF-style: chr17-46805354-C-A.
Identifiers: ClinVar variation 826134 (VCV000826134.15), dbSNP rs763590684, ClinGen allele CA8633962.

ClinVar aggregate classification (germline): Uncertain significance. Review status: criteria provided, multiple submitters, no conflicts (2 of 4 stars). 3 submissions from 3 submitters: Uncertain significance (3). Last evaluated 2026-01-19.

Conditions:
Hereditary cancer-predisposing syndrome. Also called: Neoplastic Syndromes, Hereditary; Tumor predisposition; Hereditary neoplastic syndrome; Hereditary Cancer Syndrome. Identifiers: Orphanet 140162, MedGen C0027672, MeSH D009386, MONDO:0015356.

Allele frequency attached by ClinVar (database versions not stated): gnomAD exomes below 0.00001 and 0.00001; gnomAD 0.00001; ExAC 0.00002; TOPMed 0.00002.

Submissions (3):

Labcorp Genetics (formerly Invitae), Labcorp
Classification: Uncertain significance. Last evaluated: 2026-01-19. Review status: criteria provided, single submitter. Criteria: Invitae Variant Classification Sherloc (09022015). Collection method: clinical testing. Allele origin: germline.
Comment: This sequence change falls in intron 1 of the HOXB13 gene. It does not directly change the encoded amino acid sequence of the HOXB13 protein. It affects a nucleotide within the consensus splice site. This variant is present in population databases (rs763590684, gnomAD 0.002%). This variant has not been reported in the literature in individuals affected with HOXB13-related conditions. ClinVar contains an entry for this variant (Variation ID: 826134). Variants that disrupt the consensus splice site are a relatively common cause of aberrant splicing (PMID: 17576681, 9536098). Algorithms developed to predict the effect of sequence changes on RNA splicing suggest that this variant may disrupt the consensus splice site. In summary, the available evidence is currently insufficient to determine the role of this variant in disease. Therefore, it has been classified as a Variant of Uncertain Significance.

Ambry Genetics
Classification: Uncertain significance for Hereditary cancer-predisposing syndrome. Last evaluated: 2024-12-30. Review status: criteria provided, single submitter. Criteria: Ambry Variant Classification Scheme 2023. Collection method: clinical testing. Allele origin: germline.
Comment: The c.601+1G>T intronic variant results from a G to T substitution one nucleotide after coding exon 1 of the HOXB13 gene. This nucleotide position is highly conserved in available vertebrate species. In silico splice site analysis predicts that this alteration will weaken the native splice donor site and may result in the creation or strengthening of a novel splice donor site. Alterations that disrupt the canonical splice site are expected to cause aberrant splicing, resulting in an abnormal protein or a transcript that is subject to nonsense-mediated mRNA decay. However, loss of function of HOXB13 has not been established as a mechanism of disease. Based on the available evidence, the clinical significance of this alteration remains unclear.

GeneDx
Classification: Uncertain significance. Last evaluated: 2024-03-01. Review status: criteria provided, single submitter. Criteria: GeneDx Variant Classification Process June 2021. Collection method: clinical testing. Allele origin: germline. Affected: yes.
Comment: Not observed at a significant frequency in large population cohorts (gnomAD); Has not been previously published as pathogenic or benign to our knowledge; Canonical splice site variant in a gene for which loss-of-function is not a known mechanism of disease and clinical significance is uncertain

Literature cited by the submitters: PubMed 17576681 (cited by Labcorp Genetics (formerly Invitae), Labcorp); PubMed 9536098 (cited by Labcorp Genetics (formerly Invitae), Labcorp).